The following is an entry in ClinVar:

NM_000297.4(PKD2):c.917G>A (p.Arg306Gln)

Gene: PKD2 (polycystin 2, transient receptor potential cation channel; plus strand). Cytogenetic location: 4q22.1.
Variant type: single nucleotide variant.
Coding change: c.917G>A on transcript NM_000297.4 (MANE Select); coding-DNA position 917, G replaced by A.
Protein change: p.Arg306Gln; replaces arginine 306 with glutamine.
Molecular consequence: missense variant. On other transcripts: non-coding transcript variant (1).
Genome position (GRCh38, 1-based): chr4:88,038,324, G>A. VCF-style: chr4-88038324-G-A. GRCh37 (hg19) VCF-style: chr4-88959476-G-A.
Other names: short protein forms R306Q.
Identifiers: ClinVar variation 1987951 (VCV001987951.4), dbSNP rs990932947, ClinGen allele CA100891394.

ClinVar aggregate classification (germline): Uncertain significance (1 of 4 stars; one submission).

Conditions:
Autosomal dominant polycystic kidney disease. Identifiers: Orphanet 730, MedGen C0085413, MONDO:0004691.

Allele frequency attached by ClinVar (database versions not stated): TOPMed below 0.00001; gnomAD exomes 0.00001.

Submission:

Labcorp Genetics (formerly Invitae), Labcorp
Classification: Uncertain significance for Autosomal dominant polycystic kidney disease. Last evaluated: 2025-07-21. Review status: criteria provided, single submitter. Criteria: Invitae Variant Classification Sherloc (09022015). Collection method: clinical testing. Allele origin: germline.
Comment: This sequence change replaces arginine, which is basic and polar, with glutamine, which is neutral and polar, at codon 306 of the PKD2 protein (p.Arg306Gln). This variant is present in population databases (no rsID available, gnomAD 0.002%). This missense change has been observed in individual(s) with PKD2-related conditions (PMID: 14993477). ClinVar contains an entry for this variant (Variation ID: 1987951). Invitae Evidence Modeling of protein sequence and biophysical properties (such as structural, functional, and spatial information, amino acid conservation, physicochemical variation, residue mobility, and thermodynamic stability) indicates that this missense variant is not expected to disrupt PKD2 protein function with a negative predictive value of 80%. Studies have shown that this missense change does not affect mRNA splicing (PMID: 26692149). In summary, the available evidence is currently insufficient to determine the role of this variant in disease. Therefore, it has been classified as a Variant of Uncertain Significance.

Literature cited by the submitters: PubMed 14993477; PubMed 26692149.